The following is an entry in ClinVar:

ClinVar aggregate classification (germline): Uncertain significance. Review status: criteria provided, multiple submitters, no conflicts (2 of 4 stars). 2 submissions from 2 submitters: Uncertain significance (2). Last evaluated 2022-06-05.

Conditions:
Actin accumulation myopathy (CMYO2A). Also called: CONGENITAL MYOPATHY 2A, TYPICAL, AUTOSOMAL DOMINANT; Myopathy, actin, congenital, with cores; Nemaline myopathy 3, with intranuclear rods; Nemaline myopathy type 3; Myopathy, actin, congenital, with excess of thin myofilaments. Identifiers: Orphanet 98904, MedGen C3711389, MONDO:0008070, OMIM 161800.

Submissions (2):

Labcorp Genetics (formerly Invitae), Labcorp
Classification: Uncertain significance for Actin accumulation myopathy. Last evaluated: 2022-06-05. Review status: criteria provided, single submitter. Criteria: Invitae Variant Classification Sherloc (09022015). Collection method: clinical testing. Allele origin: germline.
Comment: This variant is not present in population databases (gnomAD no frequency). This sequence change replaces arginine, which is basic and polar, with lysine, which is basic and polar, at codon 149 of the ACTA1 protein (p.Arg149Lys). This missense change has been observed in individual(s) with actin aggregate myopathy (PMID: 19562689). ClinVar contains an entry for this variant (Variation ID: 93550). Advanced modeling of protein sequence and biophysical properties (such as structural, functional, and spatial information, amino acid conservation, physicochemical variation, residue mobility, and thermodynamic stability) performed at Invitae indicates that this missense variant is expected to disrupt ACTA1 protein function. In summary, the available evidence is currently insufficient to determine the role of this variant in disease. Therefore, it has been classified as a Variant of Uncertain Significance.

Eurofins Ntd Llc (ga)
Classification: Uncertain significance. Last evaluated: 2013-06-14. Review status: criteria provided, single submitter. Criteria: EGL Classification Definitions 2015. Collection method: clinical testing. Allele origin: germline. Observed: 1 variant allele, 1 heterozygote.

Literature cited by the submitters: PubMed 19562689 (cited by Labcorp Genetics (formerly Invitae), Labcorp and Eurofins Ntd Llc (ga)).

NM_001100.4(ACTA1):c.446G>A (p.Arg149Lys)

Gene: ACTA1 (actin alpha 1, skeletal muscle; minus strand). Cytogenetic location: 1q42.13.
Variant type: single nucleotide variant.
Coding change: c.446G>A on transcript NM_001100.4 (MANE Select); coding-DNA position 446, G replaced by A.
Protein change: p.Arg149Lys; replaces arginine 149 with lysine.
Molecular consequence: missense variant.
Genome position (GRCh38, 1-based): chr1:229,432,564, C>T on the plus strand (G>A on the coding strand, the complement: ACTA1 is on the minus strand). VCF-style: chr1-229432564-C-T. GRCh37 (hg19) VCF-style: chr1-229568311-C-T.
Identifiers: ClinVar variation 93550 (VCV000093550.11), dbSNP rs398123564, ClinGen allele CA221488.
Genomic context (GRCh38, chr1:229,432,564, plus strand): 5'-GCGGGGGCGGGGGCGGGGGCGGGAGAGGGGACTGGGGGCAGCGGGCACTCACCGGTGGTC[C>T]TGCCGGAGGCGTAGAGGGACAGCACGGCCTGGATGGCCACGTACATGGCGGGCACGTTGA-3'
Protein context (NP_001091.1, residues 139-159): QAVLSLYASG[Arg149Lys]TTGIVLDSGD